The following is an entry in ClinVar:

ClinVar aggregate classification (germline): Uncertain significance (1 of 4 stars; one submission).

Conditions:
Osteogenesis imperfecta type I (OI1). Also called: Lobstein disease; OI, TYPE I; OSTEOGENESIS IMPERFECTA TARDA; OSTEOGENESIS IMPERFECTA WITH BLUE SCLERAE; Osteogenesis imperfecta type 1; Lobstein's Disease. Identifiers: Orphanet 216796, Orphanet 666, MedGen C0023931, MONDO:0008146, OMIM 166200. Disease mechanism: loss of function.
Ehlers-Danlos syndrome, classic type, 1 (EDSCL1). Also called: EDS I; EHLERS-DANLOS SYNDROME, GRAVIS TYPE; EHLERS-DANLOS SYNDROME, SEVERE CLASSIC TYPE; Ehlers-Danlos syndrome, type 1; Ehlers-Danlos Syndrome, Classic Type, COL5A1-Related. Identifiers: MedGen C0268335, MONDO:0019567, OMIM 130000.

Submission:

Labcorp Genetics (formerly Invitae), Labcorp
Classification: Uncertain significance for Osteogenesis imperfecta type I; Ehlers-Danlos syndrome, classic type, 1. Last evaluated: 2023-06-12. Review status: criteria provided, single submitter. Criteria: Invitae Variant Classification Sherloc (09022015). Collection method: clinical testing. Allele origin: germline.
Comment: This sequence change affects the initiator methionine of the COL1A2 mRNA. The next in-frame methionine is located at codon 93. This variant is not present in population databases (gnomAD no frequency). This variant has not been reported in the literature in individuals affected with COL1A2-related conditions. Experimental studies and prediction algorithms are not available or were not evaluated, and the functional significance of this variant is currently unknown. In summary, the available evidence is currently insufficient to determine the role of this variant in disease. Therefore, it has been classified as a Variant of Uncertain Significance.

NM_000089.4(COL1A2):c.1A>T (p.Met1Leu)

Gene: COL1A2 (collagen type I alpha 2 chain; plus strand). Cytogenetic location: 7q21.3.
Variant type: single nucleotide variant.
Coding change: c.1A>T on transcript NM_000089.4 (MANE Select); coding-DNA position 1, A replaced by T.
Protein change: p.Met1Leu; changes the start codon (methionine 1).
Molecular consequence: missense variant, initiator codon variant.
Genome position (GRCh38, 1-based): chr7:94,395,032, A>T. VCF-style: chr7-94395032-A-T. GRCh37 (hg19) VCF-style: chr7-94024344-A-T.
Other names: short protein forms M1L.
Identifiers: ClinVar variation 2928734 (VCV002928734.3), dbSNP rs2484686559, ClinGen allele CA368218765.